The following is an entry in ClinVar:

ClinVar aggregate classification (germline): Uncertain significance (1 of 4 stars; one submission).

Allele frequency attached by ClinVar (database versions not stated): gnomAD exomes below 0.00001.

Submission:

Labcorp Genetics (formerly Invitae), Labcorp
Classification: Uncertain significance. Last evaluated: 2022-07-23. Review status: criteria provided, single submitter. Criteria: Invitae Variant Classification Sherloc (09022015). Collection method: clinical testing. Allele origin: germline.
Comment: Advanced modeling of protein sequence and biophysical properties (such as structural, functional, and spatial information, amino acid conservation, physicochemical variation, residue mobility, and thermodynamic stability) performed at Invitae indicates that this missense variant is not expected to disrupt SERPING1 protein function. In summary, the available evidence is currently insufficient to determine the role of this variant in disease. Therefore, it has been classified as a Variant of Uncertain Significance. This sequence change replaces methionine, which is neutral and non-polar, with threonine, which is neutral and polar, at codon 310 of the SERPING1 protein (p.Met310Thr). This variant is not present in population databases (gnomAD no frequency). This variant has not been reported in the literature in individuals affected with SERPING1-related conditions.

NM_000062.3(SERPING1):c.929T>C (p.Met310Thr)

Gene: SERPING1 (serpin family G member 1; plus strand). Cytogenetic location: 11q12.1.
Variant type: single nucleotide variant.
Coding change: c.929T>C on transcript NM_000062.3 (MANE Select); coding-DNA position 929, T replaced by C.
Protein change: p.Met310Thr; replaces methionine 310 with threonine.
Molecular consequence: missense variant.
Genome position (GRCh38, 1-based): chr11:57,606,447, T>C. VCF-style: chr11-57606447-T-C. GRCh37 (hg19) VCF-style: chr11-57373920-T-C.
Other names: c.929T>C, p.Met310Thr (NM_001032295.2); short protein forms M310T.
Identifiers: ClinVar variation 2006200 (VCV002006200.4), dbSNP rs2495442231, ClinGen allele CA380700297.
Genomic context (GRCh38, chr11:57,606,447, plus strand): 5'-CCTCCCACCTCTTCCCTCTAGCCAAGTGGAAGACAACATTTGATCCCAAGAAAACCAGAA[T>C]GGAACCCTTTCACTTCAAAAACTCAGTTATAAAAGTGCCCATGATGAATAGCAAGAAGTA-3'
Protein context (NP_000053.2, residues 300-320): KTTFDPKKTR[Met310Thr]EPFHFKNSVI